The following is an entry in ClinVar:

NM_001103.4(ACTN2):c.714del (p.Lys239fs)

Gene: ACTN2 (actinin alpha 2; plus strand). Cytogenetic location: 1q43.
Variant type: Deletion.
Coding change: c.714del on transcript NM_001103.4 (MANE Select); coding-DNA position 714, one base deleted (T; older notation c.714delT).
Protein change: p.Lys239fs; shifts the reading frame from lysine 239.
Molecular consequence: frameshift variant. On other transcripts: non-coding transcript variant (1), intron variant (1).
Genome position (GRCh38, 1-based): chr1:236,735,651, T deleted. VCF-style (leftmost placement, unchanged base first): chr1-236735650-CT-C. GRCh37 (hg19) VCF-style: chr1-236898950-CT-C.
Other names: c.783+1133del (NM_001278343.2); short protein forms K239fs.
Identifiers: ClinVar variation 3762335 (VCV003762335.2).

ClinVar aggregate classification (germline): Uncertain significance (1 of 4 stars; one submission).

Conditions:
Dilated cardiomyopathy 1AA (CMD1AA). Also called: Cardiomyopathy, dilated, 1AA, with or without LVNC; CARDIOMYOPATHY, DILATED, 1AA, WITH OR WITHOUT LEFT VENTRICULAR NONCOMPACTION; CARDIOMYOPATHY, FAMILIAL HYPERTROPHIC, 23, WITH OR WITHOUT LEFT VENTRICULAR NONCOMPACTION. Identifiers: Orphanet 154, MedGen C2677338, MONDO:0012808, OMIM 612158.
Primary familial hypertrophic cardiomyopathy (HCM). Identifiers: Orphanet 99739, MedGen C0949658, MeSH D024741, MONDO:0024573. Inheritance: Various modes of inheritance.

Submission:

Labcorp Genetics (formerly Invitae), Labcorp
Classification: Uncertain significance for Primary familial hypertrophic cardiomyopathy; Dilated cardiomyopathy 1AA. Last evaluated: 2024-03-12. Review status: criteria provided, single submitter. Criteria: Invitae Variant Classification Sherloc (09022015). Collection method: clinical testing. Allele origin: germline.
Comment: This sequence change creates a premature translational stop signal (p.Lys239Asnfs*8) in the ACTN2 gene. It is expected to result in an absent or disrupted protein product. However, the current clinical and genetic evidence is not sufficient to establish whether loss-of-function variants in ACTN2 cause disease. This variant is not present in population databases (gnomAD no frequency). This variant has not been reported in the literature in individuals affected with ACTN2-related conditions. In summary, the available evidence is currently insufficient to determine the role of this variant in disease. Therefore, it has been classified as a Variant of Uncertain Significance.